The following is an entry in ClinVar:

NM_004260.4(RECQL4):c.2168G>A (p.Cys723Tyr)

Gene: RECQL4 (RecQ like helicase 4; minus strand). Cytogenetic location: 8q24.3.
Variant type: single nucleotide variant.
Coding change: c.2168G>A on transcript NM_004260.4 (MANE Select); coding-DNA position 2168, G replaced by A.
Protein change: p.Cys723Tyr; replaces cysteine 723 with tyrosine.
Molecular consequence: missense variant.
Genome position (GRCh38, 1-based): chr8:144,513,603, C>T on the plus strand (G>A on the coding strand, the complement: RECQL4 is on the minus strand). VCF-style: chr8-144513603-C-T. GRCh37 (hg19) VCF-style: chr8-145738987-C-T.
Other names: c.2072G>A, p.Cys691Tyr (NM_001413017.1, NM_001413020.1); c.2168G>A, p.Cys723Tyr (NM_001413018.1, NM_001413019.1, NM_001413036.1); c.1097G>A, p.Cys366Tyr (NM_001413021.1, NM_001413022.1, NM_001413023.1 and 6 more transcripts); c.2039G>A, p.Cys680Tyr (NM_001413025.1); c.1031G>A, p.Cys344Tyr (NM_001413027.1, NM_001413030.1, NM_001413032.1 and 1 more transcripts); c.1817G>A, p.Cys606Tyr (NM_001413029.1); c.899G>A, p.Cys300Tyr (NM_001413031.1); c.2036G>A, p.Cys679Tyr (NM_001413033.1); and 4 more; short protein forms C234Y, C300Y, C322Y, C344Y, C356Y, C366Y, C606Y, C679Y.
Identifiers: ClinVar variation 2414220 (VCV002414220.4), dbSNP rs1827662431, ClinGen allele CA372679670.

ClinVar aggregate classification (germline): Uncertain significance (1 of 4 stars; one submission).

Conditions:
Baller-Gerold syndrome (BGS). Also called: CRANIOSYNOSTOSIS WITH RADIAL DEFECTS. Identifiers: Orphanet 1225, MedGen C0265308, MONDO:0009039, OMIM 218600.

Allele frequency attached by ClinVar (database versions not stated): TOPMed below 0.00001.

Submission:

Labcorp Genetics (formerly Invitae), Labcorp
Classification: Uncertain significance for Baller-Gerold syndrome. Last evaluated: 2022-09-27. Review status: criteria provided, single submitter. Criteria: Invitae Variant Classification Sherloc (09022015). Collection method: clinical testing. Allele origin: germline.
Comment: Experimental studies and prediction algorithms are not available or were not evaluated, and the functional significance of this variant is currently unknown. This variant has not been reported in the literature in individuals affected with RECQL4-related conditions. This variant is not present in population databases (gnomAD no frequency). This sequence change replaces cysteine, which is neutral and slightly polar, with tyrosine, which is neutral and polar, at codon 723 of the RECQL4 protein (p.Cys723Tyr). In summary, the available evidence is currently insufficient to determine the role of this variant in disease. Therefore, it has been classified as a Variant of Uncertain Significance.